The following is an entry in ClinVar:

ClinVar aggregate classification (germline): Likely benign (0 of 4 stars; one submission).

Conditions:
FANCD2-related disorder. Also called: FANCD2-related condition.

Allele frequency attached by ClinVar (database versions not stated): TOPMed 0.00001; gnomAD 0.00001.

Submission:

PreventionGenetics, part of Exact Sciences
Classification: Likely benign for FANCD2-related condition. Last evaluated: 2023-05-05. Review status: no assertion criteria provided. Collection method: clinical testing. Allele origin: germline.
Comment: This variant is classified as likely benign based on ACMG/AMP sequence variant interpretation guidelines (Richards et al. 2015 PMID: 25741868, with internal and published modifications).

NM_001018115.3(FANCD2):c.*10A>T

Genes: FANCD2 (FA complementation group D2; plus strand), FANCD2OS (FANCD2 opposite strand; minus strand). Cytogenetic location: 3p25.3.
Variant type: single nucleotide variant.
Coding change: c.*10A>T on transcript NM_001018115.3 (MANE Select); 10 bases downstream of the stop codon, A replaced by T.
Molecular consequence: 3 prime UTR variant. On other transcripts: intron variant (1).
Genome position (GRCh38, 1-based): chr3:10,101,272, A>T. VCF-style: chr3-10101272-A-T. GRCh37 (hg19) VCF-style: chr3-10142956-A-T.
Other names: c.*10A>T (NM_001319984.2, NM_001374253.1); c.*43+2926T>A (NM_173472.2).
Identifiers: ClinVar variation 3055184 (VCV003055184.2), dbSNP rs1238720767, ClinGen allele CA896153530.